The following is an entry in ClinVar:

NM_003924.4(PHOX2B):c.773C>A (p.Ala258Glu)

Genes: PHOX2B (paired like homeobox 2B; minus strand), LOC110011216 (paired like homeobox 2b polyalanine repeat instability region; plus strand). Cytogenetic location: 4p13.
Variant type: single nucleotide variant.
Coding change: c.773C>A on transcript NM_003924.4 (MANE Select); coding-DNA position 773, C replaced by A.
Protein change: p.Ala258Glu; replaces alanine 258 with glutamic acid.
Molecular consequence: missense variant.
Genome position (GRCh38, 1-based): chr4:41,745,979, G>T on the plus strand (C>A on the coding strand, the complement: PHOX2B is on the minus strand). VCF-style: chr4-41745979-G-T. GRCh37 (hg19) VCF-style: chr4-41747996-G-T.
Other names: short protein forms A258E.
Identifiers: ClinVar variation 348809 (VCV000348809.48), dbSNP rs747626591, ClinGen allele CA2901428.
Genomic context (GRCh38, chr4:41,745,979, plus strand): 5'-CCGGGGCCGGGAGCCCAGCCTTGTCCAGGGCCCCCAGCCGCAGCCAGGCCTCCAGCTGCC[G>T]CCGCTGCCGCTGCCGCCGCCGCCGCTGCCGCGGCCGCCGCCGCTGCTGCTGCGCCGCCCT-3'
Protein context (NP_003915.2, residues 248-268): AAAAAAAAAA[Ala258Glu]AAGGLAAAGG

ClinVar aggregate classification (germline): Conflicting classifications of pathogenicity. Review status: criteria provided, conflicting classifications (1 of 4 stars). 10 submissions from 9 submitters: Uncertain significance (4); Benign (2); Likely benign (3). 1 of the submissions does not count toward it. Last evaluated 2025-09-02.

Conditions:
Hereditary cancer-predisposing syndrome. Also called: Tumor predisposition; Hereditary Cancer Syndrome; Hereditary neoplastic syndrome; Neoplastic Syndromes, Hereditary. Identifiers: Orphanet 140162, MedGen C0027672, MeSH D009386, MONDO:0015356.
Haddad syndrome (OHD). Also called: Ondine-Hirschsprung disease. Identifiers: Orphanet 99803, MedGen C1859049, MONDO:0020493.
Neuroblastoma, susceptibility to, 2. Identifiers: Orphanet 635, MedGen C2751682, MONDO:0700041, OMIM 613013.
Congenital central hypoventilation. Also called: Congenital Central Hypoventilation Syndrome. Identifiers: Orphanet 661, Orphanet 99803, MedGen C1275808, MONDO:0800031. Disease mechanism: gain of function.

Allele frequency attached by ClinVar (database versions not stated): gnomAD exomes 0.00007 and 0.00052; gnomAD 0.00013; TOPMed 0.00014; ExAC 0.00045.
gnomAD v4.1: 107 of 1,254,878 alleles (0.0085%); highest among the groups gnomAD compares: Admixed American, 0.068%; no homozygotes.

Submissions (10):

Labcorp Genetics (formerly Invitae), Labcorp
Classification: Benign for Haddad syndrome. Last evaluated: 2025-09-02. Review status: criteria provided, single submitter. Criteria: Invitae Variant Classification Sherloc (09022015). Collection method: clinical testing. Allele origin: germline.

Laboratory of Genetics, Children's Clinical University Hospital Latvia
Classification: Likely benign. Last evaluated: 2025-02-16. Review status: criteria provided, single submitter. Criteria: ACMG Guidelines, 2015. Collection method: clinical testing. Allele origin: germline. Affected: yes.

GeneDx
Classification: Uncertain significance. Last evaluated: 2023-05-23. Review status: criteria provided, single submitter. Criteria: GeneDx Variant Classification Process June 2021. Collection method: clinical testing. Allele origin: germline. Affected: yes.
Comment: In silico analysis supports that this missense variant does not alter protein structure/function; Has not been previously published as pathogenic or benign to our knowledge

St. Jude Molecular Pathology, St. Jude Children's Research Hospital
Classification: Uncertain significance for Neuroblastoma, susceptibility to, 2. Last evaluated: 2022-07-25. Review status: criteria provided, single submitter. Criteria: St. Jude Assertion Criteria 2020. Collection method: clinical testing. Allele origin: germline.
Comment: The PHOX2B c.773C>A (p.Ala258Glu) missense change has a maximum frequency of 0.14% in gnomAD v2.1.1. The in silico tool REVEL is inconclusive about a pathogenic or benign effect of this variant on protein function, and to our knowledge functional studies have not been performed. To our knowledge, this variant has not been reported in individuals with central hypoventilation syndrome, Hirchsprung disease, or neuroblastoma. In summary, the evidence currently available is insufficient to determine the clinical significance of this variant. It has therefore been classified as of uncertain significance.

CeGaT Center for Human Genetics Tuebingen
Classification: Benign. Last evaluated: 2022-03-01. Review status: criteria provided, single submitter. Criteria: CeGaT Center For Human Genetics Tuebingen Variant Classification Criteria Version 2. Collection method: clinical testing. Allele origin: germline. Affected: yes. Observed: 1 variant allele.
Comment: PHOX2B: BS1, BS2

Sema4
Classification: Uncertain significance for Hereditary cancer-predisposing syndrome. Last evaluated: 2021-05-07. Review status: criteria provided, single submitter. Criteria: Sema4 Curation Guidelines. Collection method: curation. Allele origin: germline.
Comment: The PHOX2B c.773C>A (p.A258E) variant has been reported in individuals with breast and/or ovarian cancer and advanced cancer (PMID: 27153395, 28873162). It was observed in 1/14338 chromosomes of the Non-Finnish European subpopulation in the large and broad cohorts of the Genome Aggregation Database (PMID: 32461654). The variant has been reported in ClinVar (Variation ID 348809). In silico tools suggest the impact of the variant on protein function is inconclusive though these predictions have not been confirmed by functional studies. The evidence is insufficient to meet ACMG/AMP criteria for classifying the variant as benign or pathogenic. Thus, the clinical significance of this variant is currently uncertain.

Ambry Genetics
Classification: Uncertain significance for Hereditary cancer-predisposing syndrome. Last evaluated: 2018-09-18. Review status: criteria provided, single submitter. Criteria: Ambry Variant Classification Scheme 2023. Collection method: clinical testing. Allele origin: germline.
Comment: The p.A258E variant (also known as c.773C>A), located in coding exon 3 of the PHOX2B gene, results from a C to A substitution at nucleotide position 773. The alanine at codon 258 is replaced by glutamic acid, an amino acid with dissimilar properties. This amino acid position is highly conserved in available vertebrate species. In addition, this alteration is predicted to be tolerated by in silico analysis. Since supporting evidence is limited at this time, the clinical significance of this alteration remains unclear.

Illumina Laboratory Services, Illumina
Classification: Likely benign for Central hypoventilation syndrome, congenital, 1, with or without Hirschsprung disease. Last evaluated: 2017-04-27. Review status: criteria provided, single submitter. Criteria: ICSL Variant Classification Criteria 13 December 2019. Collection method: clinical testing. Allele origin: germline.
Comment: This variant was observed as part of a predisposition screen in an ostensibly healthy population. A literature search was performed for the gene, cDNA change, and amino acid change (where applicable). No publications were found based on this search. Allele frequency data from public databases allowed determination this variant is unlikely to cause disease. Therefore, this variant is classified as likely benign.

Illumina Laboratory Services, Illumina
Classification: Likely benign for Neuroblastoma, susceptibility to, 2. Last evaluated: 2017-04-27. Review status: criteria provided, single submitter. Criteria: ICSL Variant Classification Criteria 13 December 2019. Collection method: clinical testing. Allele origin: germline.
Comment: the same text as in the submission from Illumina Laboratory Services, Illumina above.

Genetic Services Laboratory, University of Chicago
Classification: Likely benign. Last evaluated: 2022-05-09. Review status: no assertion criteria provided. Collection method: clinical testing. Allele origin: germline. Affected: no. Not counted in ClinVar's aggregate classification.

Literature cited by the submitters: PubMed 27153395 (cited by Sema4); PubMed 28873162 (cited by Sema4).